The following is an entry in ClinVar:

NM_020971.3(SPTBN4):c.1665+6_1665+7dup

Gene: SPTBN4 (spectrin beta, non-erythrocytic 4; plus strand). Cytogenetic location: 19q13.2.
Variant type: Duplication.
Coding change: c.1665+6_1665+7dup on transcript NM_020971.3 (MANE Select); bases 6 to 7 of the intron after coding-DNA position 1665, 2 bases duplicated (GG; older notation c.1665+6_1665+7dupGG).
Molecular consequence: intron variant.
Genome position (GRCh38, 1-based): chr19:40,504,138-40,504,139, GG duplicated. VCF-style (leftmost placement, unchanged base first): chr19-40504137-C-CGG. GRCh37 (hg19) VCF-style: chr19-41010044-C-CGG.
Identifiers: ClinVar variation 3053676 (VCV003053676.3), dbSNP rs200129769, ClinGen allele CA9445699.

ClinVar aggregate classification (germline): Likely benign. Review status: criteria provided, single submitter (1 of 4 stars). 2 submissions from 2 submitters: Likely benign (1). 1 of the submissions does not count toward it. Last evaluated 2024-11-26.

Conditions:
SPTBN4-related disorder. Also called: SPTBN4-related condition.

Submissions (2):

Blueprint Genetics
Classification: Likely benign. Last evaluated: 2024-11-26. Review status: criteria provided, single submitter. Criteria: ACMG Guidelines, 2015. Collection method: clinical testing. Allele origin: germline.

PreventionGenetics, part of Exact Sciences
Classification: Likely benign for SPTBN4-related condition. Last evaluated: 2019-09-10. Review status: no assertion criteria provided. Collection method: clinical testing. Allele origin: germline. Not counted in ClinVar's aggregate classification.
Comment: This variant is classified as likely benign based on ACMG/AMP sequence variant interpretation guidelines (Richards et al. 2015 PMID: 25741868, with internal and published modifications).